The following is an entry in ClinVar:

NM_002465.4(MYBPC1):c.3402A>G (p.Thr1134=)

Gene: MYBPC1 (myosin binding protein C1; plus strand). Cytogenetic location: 12q23.2.
Variant type: single nucleotide variant.
Coding change: c.3402A>G on transcript NM_002465.4 (MANE Select); coding-DNA position 3402, A replaced by G.
Protein change: p.Thr1134=; no amino-acid change (threonine 1134 retained).
Molecular consequence: synonymous variant.
Genome position (GRCh38, 1-based): chr12:101,680,498, A>G. VCF-style: chr12-101680498-A-G. GRCh37 (hg19) VCF-style: chr12-102074276-A-G.
Other names: c.3381A>G, p.Thr1127= (NM_001254718.3, NM_206820.4); c.3327A>G, p.Thr1109= (NM_001254719.3, NM_206821.4); c.3291A>G, p.Thr1097= (NM_001254720.3); c.3270A>G, p.Thr1090= (NM_001254721.3, NM_001404676.1, NM_001404678.1); c.3249A>G, p.Thr1083= (NM_001254722.3, NM_001404680.1); c.3288A>G, p.Thr1096= (NM_001254723.3); c.3402A>G, p.Thr1134= (NM_001404675.1, NM_206819.4); c.3192A>G, p.Thr1064= (NM_001404677.1, NM_001404679.1, NM_001404681.1).
Identifiers: ClinVar variation 306749 (VCV000306749.42), dbSNP rs149742717, ClinGen allele CA6745388.

ClinVar aggregate classification (germline): Benign/Likely benign. Review status: criteria provided, multiple submitters, no conflicts (2 of 4 stars). 2 submissions from 2 submitters: Benign (1); Likely benign (1). Last evaluated 2021-10-01.

Conditions:
Arthrogryposis, distal, type 1B. Identifiers: Orphanet 1146, MedGen C3280526, MONDO:0013698, OMIM 614335.

Allele frequency attached by ClinVar (database versions not stated): 1000 Genomes Project 30x 0.00016; 1000 Genomes Project 0.00020; TOPMed 0.00045; gnomAD 0.00046; gnomAD exomes 0.00050; ExAC 0.00061; ESP Exome Variant Server 0.00077.
gnomAD v4.1: 1,224 of 1,614,176 alleles (0.076%); highest among the groups gnomAD compares: Non-Finnish European, 0.099%; no homozygotes.

Submissions (2):

CeGaT Center for Human Genetics Tuebingen
Classification: Likely benign. Last evaluated: 2021-10-01. Review status: criteria provided, single submitter. Criteria: CeGaT Center For Human Genetics Tuebingen Variant Classification Criteria Version 2. Collection method: clinical testing. Allele origin: germline. Affected: yes. Observed: 2 variant alleles.

Illumina Laboratory Services, Illumina
Classification: Benign for Arthrogryposis, distal, type 1B. Last evaluated: 2018-01-13. Review status: criteria provided, single submitter. Criteria: ICSL Variant Classification Criteria 13 December 2019. Collection method: clinical testing. Allele origin: germline.
Comment: This variant was observed in the ICSL laboratory as part of a predisposition screen in an ostensibly healthy population. It had not been previously curated by ICSL or reported in the Human Gene Mutation Database (HGMD: prior to June 1st, 2018), and was therefore a candidate for classification through an automated scoring system. Utilizing variant allele frequency, disease prevalence and penetrance estimates, and inheritance mode, an automated score was calculated to assess if this variant is too frequent to cause the disease. Based on the score and internal cut-off values, a variant classified as benign is not then subjected to further curation. The score for this variant resulted in a classification of benign for this disease.